The following is an entry in ClinVar:

NM_017837.4(PIGV):c.199G>A (p.Asp67Asn)

Gene: PIGV (phosphatidylinositol glycan anchor biosynthesis class V; plus strand). Cytogenetic location: 1p36.11.
Variant type: single nucleotide variant.
Coding change: c.199G>A on transcript NM_017837.4 (MANE Select); coding-DNA position 199, G replaced by A.
Protein change: p.Asp67Asn; replaces aspartic acid 67 with asparagine.
Molecular consequence: missense variant. On other transcripts: non-coding transcript variant (2), intron variant (3), 5 prime UTR variant (1).
Genome position (GRCh38, 1-based): chr1:26,794,233, G>A. VCF-style: chr1-26794233-G-A. GRCh37 (hg19) VCF-style: chr1-27120724-G-A.
Other names: c.172+27G>A (NM_001374484.1, NM_001374485.1); c.79-3330G>A (NM_001374486.1); c.199G>A, p.Asp67Asn (NM_001202554.2, NM_001374478.1, NM_001374480.1 and 2 more transcripts); c.-183G>A (NM_001374483.1); short protein forms D67N.
Identifiers: ClinVar variation 1494137 (VCV001494137.8), dbSNP rs773179141, ClinGen allele CA708016.

ClinVar aggregate classification (germline): Uncertain significance (1 of 4 stars; one submission).

Allele frequency attached by ClinVar (database versions not stated): TOPMed below 0.00001; ExAC 0.00001; gnomAD 0.00001; gnomAD exomes 0.00001.
gnomAD v4.1: 9 of 1,614,090 alleles (0.00056%); highest among the groups gnomAD compares: Non-Finnish European, 0.00076%; no homozygotes.

Submission:

Labcorp Genetics (formerly Invitae), Labcorp
Classification: Uncertain significance. Last evaluated: 2022-08-09. Review status: criteria provided, single submitter. Criteria: Invitae Variant Classification Sherloc (09022015). Collection method: clinical testing. Allele origin: germline.
Comment: In summary, the available evidence is currently insufficient to determine the role of this variant in disease. Therefore, it has been classified as a Variant of Uncertain Significance. Algorithms developed to predict the effect of missense changes on protein structure and function are either unavailable or do not agree on the potential impact of this missense change (SIFT: "Deleterious"; PolyPhen-2: "Probably Damaging"; Align-GVGD: "Class C15"). ClinVar contains an entry for this variant (Variation ID: 1494137). This variant has not been reported in the literature in individuals affected with PIGV-related conditions. This variant is present in population databases (rs773179141, gnomAD 0.0009%). This sequence change replaces aspartic acid, which is acidic and polar, with asparagine, which is neutral and polar, at codon 67 of the PIGV protein (p.Asp67Asn).